The following is an entry in ClinVar:

ClinVar aggregate classification (germline): Uncertain significance (1 of 4 stars; one submission).

Allele frequency attached by ClinVar (database versions not stated): TOPMed below 0.00001.
gnomAD v4.1: 7 of 1,613,892 alleles (0.00043%); highest among the groups gnomAD compares: Non-Finnish European, 0.00051%; no homozygotes.

Submission:

Labcorp Genetics (formerly Invitae), Labcorp
Classification: Uncertain significance. Last evaluated: 2022-08-09. Review status: criteria provided, single submitter. Criteria: Invitae Variant Classification Sherloc (09022015). Collection method: clinical testing. Allele origin: germline.
Comment: This sequence change replaces alanine, which is neutral and non-polar, with threonine, which is neutral and polar, at codon 455 of the LYN protein (p.Ala455Thr). This variant is not present in population databases (gnomAD no frequency). This variant has not been reported in the literature in individuals affected with LYN-related conditions. ClinVar contains an entry for this variant (Variation ID: 1407631). Algorithms developed to predict the effect of missense changes on protein structure and function are either unavailable or do not agree on the potential impact of this missense change (SIFT: "Deleterious"; PolyPhen-2: "Possibly Damaging"; Align-GVGD: "Class C0"). In summary, the available evidence is currently insufficient to determine the role of this variant in disease. Therefore, it has been classified as a Variant of Uncertain Significance.

NM_002350.4(LYN):c.1363G>A (p.Ala455Thr)

Gene: LYN (LYN proto-oncogene, Src family tyrosine kinase; plus strand). Cytogenetic location: 8q12.1.
Variant type: single nucleotide variant.
Coding change: c.1363G>A on transcript NM_002350.4 (MANE Select); coding-DNA position 1363, G replaced by A.
Protein change: p.Ala455Thr; replaces alanine 455 with threonine.
Molecular consequence: missense variant.
Genome position (GRCh38, 1-based): chr8:56,009,934, G>A. VCF-style: chr8-56009934-G-A. GRCh37 (hg19) VCF-style: chr8-56922493-G-A.
Other names: c.1300G>A, p.Ala434Thr (NM_001111097.3); short protein forms A434T, A455T.
Identifiers: ClinVar variation 1407631 (VCV001407631.5), dbSNP rs778487640, ClinGen allele CA371276325.